The following is an entry in ClinVar:

ClinVar aggregate classification (germline): Pathogenic (1 of 4 stars; one submission).

Conditions:
Bilateral frontoparietal polymicrogyria. Also called: CEREBELLAR ATAXIA WITH NEURONAL MIGRATION DEFECT; CORTICAL DYSPLASIA, COMPLEX, WITH OTHER BRAIN MALFORMATIONS 14A (BILATERAL FRONTOPARIETAL). Identifiers: Orphanet 101070, MedGen C1847352, MONDO:0011738, OMIM 606854.

Submission:

3billion
Classification: Pathogenic for Bilateral frontoparietal polymicrogyria. Last evaluated: 2023-12-06. Review status: criteria provided, single submitter. Criteria: ACMG Guidelines, 2015. Collection method: clinical testing. Allele origin: germline. Affected: yes.
Comment: The variant is not observed in the gnomAD v2.1.1 dataset. Predicted Consequence/Location: Stop-gained (nonsense): predicted to result in a loss or disruption of normal protein function through nonsense-mediated decay (NMD) or protein truncation. Multiple pathogenic variants are reported downstream of the variant. Therefore, this variant is classified as Pathogenic according to the recommendation of ACMG/AMP guideline.

NM_201525.4(ADGRG1):c.721C>T (p.Gln241Ter)

Gene: ADGRG1 (adhesion G protein-coupled receptor G1; plus strand). Cytogenetic location: 16q21.
Variant type: single nucleotide variant.
Coding change: c.721C>T on transcript NM_201525.4 (MANE Select); coding-DNA position 721, C replaced by T.
Protein change: p.Gln241Ter; replaces glutamine 241 with a stop codon.
Molecular consequence: nonsense.
Genome position (GRCh38, 1-based): chr16:57,654,086, C>T. VCF-style: chr16-57654086-C-T. GRCh37 (hg19) VCF-style: chr16-57687998-C-T.
Other names: c.721C>T, p.Gln241Ter (NM_001145770.3, NM_001145771.3, NM_001145772.3 and 16 more transcripts); c.736C>T, p.Gln246Ter (NM_001145773.3, NM_001370433.1); c.211C>T, p.Gln71Ter (NM_001290142.2); c.196C>T, p.Gln66Ter (NM_001290143.2, NM_001290144.2, NM_001370451.1 and 2 more transcripts); c.565C>T, p.Gln189Ter (NM_001370442.1); short protein forms Q189*, Q241*, Q246*, Q66*, Q71*.
Identifiers: ClinVar variation 3775176 (VCV003775176.1).
Genomic context (GRCh38, chr16:57,654,086, plus strand): 5'-TTCATGGGGGACATGGTGTCCTTCGAGGAGGACCGGATCAACGCCACGGTGTGGAAGCTC[C>T]AGCCCACAGCCGGCCTCCAGGACCTGCACATCCACTCCCGGCAGGAGGTCAGGGGCAGGC-3'